The following is an entry in ClinVar:

NM_000478.6(ALPL):c.472+12del

Gene: ALPL (alkaline phosphatase, biomineralization associated; plus strand). Cytogenetic location: 1p36.12.
Variant type: Deletion.
Coding change: c.472+12del on transcript NM_000478.6 (MANE Select); 12 bases into the intron after coding-DNA position 472, one base deleted (G; older notation c.472+12delG).
Molecular consequence: intron variant.
Genome position (GRCh38, 1-based): chr1:21,563,296, G deleted; the last of 5 consecutive G bases (chr1:21,563,292-21,563,296); deleting any one gives the same sequence. VCF-style (leftmost placement, unchanged base first): chr1-21563291-CG-C. GRCh37 (hg19) VCF-style: chr1-21889784-CG-C.
Other names: p.?; c.472+12del (NM_001369805.2, NM_001369804.2, NM_001369803.2); c.307+12del (NM_001127501.4); c.241+12del (NM_001177520.3); c.472+12delG (NM_000478.6, NM_000478.4).
Identifiers: ClinVar variation 295543 (VCV000295543.40), dbSNP rs35423948, ClinGen allele CA666491.

ClinVar aggregate classification (germline): Benign. Review status: criteria provided, multiple submitters, no conflicts (2 of 4 stars). 13 submissions from 13 submitters: Benign (8). 5 of the submissions do not count toward it. Last evaluated 2026-02-04.

Conditions:
Hypophosphatasia. Also called: Phosphoethanol-aminuria. Identifiers: Orphanet 436, MedGen C0020630, MeSH D007014, MONDO:0018570.

Submissions (13):

Labcorp Genetics (formerly Invitae), Labcorp
Classification: Benign. Last evaluated: 2026-02-04. Review status: criteria provided, single submitter. Criteria: Invitae Variant Classification Sherloc (09022015). Collection method: clinical testing. Allele origin: germline.

Genomenon, Inc
Classification: Benign for Hypophosphatasia. Last evaluated: 2025-08-29. Review status: criteria provided, single submitter. Criteria: Genomenon Sequence Variant Interpretation Standards. Collection method: curation. Allele origin: germline. Affected: no.
Comment: ALPL c.472+12del is an intronic variant located in intron 5. This variant is present at high allele frequency in population databases. In conclusion, we classify ALPL c.472+12del as a benign variant.

ARUP Laboratories, Molecular Genetics and Genomics, ARUP Laboratories
Classification: Benign. Last evaluated: 2025-07-24. Review status: criteria provided, single submitter. Criteria: ARUP Molecular Germline Variant Investigation Process 2024. Collection method: clinical testing. Allele origin: germline.

JKU Lab, Dept of Paediatrics, Johannes Kepler University
Classification: Benign for Hypophosphatasia. Last evaluated: 2025-04-24. Review status: criteria provided, single submitter. Criteria: ACMG Guidelines, 2015. Collection method: clinical testing. Allele origin: germline. Affected: yes.
Comment: This intronic variant is present in GnomAD 4.1 (15.3% (20642 homozygotes)). REVEL score is not applicable. Splice-prediction algorithms predict no effect on splicing. This variant has been reported in the literature in individuals affected with ALPL-related conditions (PMID 34935951, 34097127, 12357339 and 27777120). The applied ACMG criteria can be viewed at an online resource

Blueprint Genetics
Classification: Benign. Last evaluated: 2024-11-26. Review status: criteria provided, single submitter. Criteria: ACMG Guidelines, 2015. Collection method: clinical testing. Allele origin: germline.

Mayo Clinic Laboratories, Mayo Clinic
Classification: Benign. Last evaluated: 2022-04-26. Review status: criteria provided, single submitter. Criteria: ACMG Guidelines, 2015. Collection method: clinical testing. Allele origin: germline. Observed: 98 variant alleles.

GeneDx
Classification: Benign. Last evaluated: 2019-02-11. Review status: criteria provided, single submitter. Criteria: GeneDx Variant Classification Process June 2021. Collection method: clinical testing. Allele origin: germline. Affected: yes.

Women's Health and Genetics/Laboratory Corporation of America, LabCorp
Classification: Benign. Last evaluated: 2017-04-24. Review status: criteria provided, single submitter. Criteria: LabCorp Variant Classification Summary - May 2015. Collection method: clinical testing. Allele origin: germline.
Comment: Variant summary: The ALPL c.472+12delG variant involves the alteration of a non-conserved intronic nucleotide. One in silico tool predicts a benign outcome for this variant. 5/5 splice prediction tools predict no significant impact on normal splicing. However, these predictions have yet to be confirmed by functional studies. This variant was found in 15185/113438 control chromosomes (1198 homozygotes) at a frequency of 0.1338617, which is approximately 38 times the estimated maximal expected allele frequency of a pathogenic ALPL variant (0.0035355), suggesting this variant is likely a benign polymorphism. In addition, one clinical diagnostic laboratory classified this variant as likely benign. Taken together, this variant is classified as benign.

Natera, Inc.
Classification: Benign for Hypophosphatasia. Last evaluated: 2020-09-16. Review status: no assertion criteria provided. Collection method: clinical testing. Allele origin: germline. Not counted in ClinVar's aggregate classification.

Clinical Genetics DNA and cytogenetics Diagnostics Lab, Erasmus MC, Erasmus Medical Center
Classification: Benign. Review status: no assertion criteria provided. Collection method: clinical testing. Allele origin: germline. Affected: yes. Study: VKGL Data-share Consensus. Not counted in ClinVar's aggregate classification.

Diagnostic Laboratory, Department of Genetics, University Medical Center Groningen
Classification: Benign. Review status: no assertion criteria provided. Collection method: clinical testing. Allele origin: germline. Affected: yes. Study: VKGL Data-share Consensus. Not counted in ClinVar's aggregate classification.

Genome Diagnostics Laboratory, Amsterdam University Medical Center
Classification: Benign. Review status: no assertion criteria provided. Collection method: clinical testing. Allele origin: germline. Affected: yes. Study: VKGL Data-share Consensus. Not counted in ClinVar's aggregate classification.

Joint Genome Diagnostic Labs from Nijmegen and Maastricht, Radboudumc and MUMC+
Classification: Likely benign. Review status: no assertion criteria provided. Collection method: clinical testing. Allele origin: germline. Affected: yes. Study: VKGL Data-share Consensus. Not counted in ClinVar's aggregate classification.

Literature cited by the submitters: PubMed 34935951 (cited by JKU Lab, Dept of Paediatrics, Johannes Kepler University); PubMed 34097127 (cited by JKU Lab, Dept of Paediatrics, Johannes Kepler University); PubMed 12357339 (cited by JKU Lab, Dept of Paediatrics, Johannes Kepler University and Women's Health and Genetics/Laboratory Corporation of America, LabCorp); PubMed 27777120 (cited by JKU Lab, Dept of Paediatrics, Johannes Kepler University).